The following is an entry in ClinVar:

ClinVar aggregate classification (germline): Uncertain significance (1 of 4 stars; one submission).

Conditions:
Cardiac anomalies - developmental delay - facial dysmorphism syndrome (MRFACD). Also called: Impaired intellectual development and distinctive facial features with or without cardiac defects; MED13L Syndrome. Identifiers: Orphanet 369891, MedGen C5192431, MONDO:0014773, OMIM 616789.

Allele frequency attached by ClinVar (database versions not stated): gnomAD exomes below 0.00001.
gnomAD v4.1: 1 of 1,612,398 alleles (0.000062%); highest among the groups gnomAD compares: Non-Finnish European, 0.000085%; no homozygotes.

Submission:

Neuberg Centre For Genomic Medicine, NCGM
Classification: Uncertain significance for Cardiac anomalies - developmental delay - facial dysmorphism syndrome. Review status: criteria provided, single submitter. Criteria: ACMG Guidelines, 2015. Collection method: clinical testing. Allele origin: germline. Inheritance: Autosomal dominant inheritance. Affected: yes.
Comment: The missense c.2227A>C(p.Lys743Gln) variant in MED13L gene has not been reported previously as a pathogenic variant nor as abenign variant, to our knowledge. The p.Lys743Gln variant is novel (not in any individuals) in gnomAD Exomes and 1000 Genomes.This variant has not been reported to the ClinVar database. The amino acid change p.Lys743Gln in MED13L is predicted asconserved by GERP++ and PhyloP across 100 vertebrates. The amino acid Lys at position 743 is changed to a Gln changing proteinsequence and it might alter its composition and physico-chemical properties. For these reasons, this variant has been classifiedas Variant of Uncertain Significance (VUS).

NM_015335.5(MED13L):c.2227A>C (p.Lys743Gln)

Gene: MED13L (mediator complex subunit 13L; minus strand). Cytogenetic location: 12q24.21.
Variant type: single nucleotide variant.
Coding change: c.2227A>C on transcript NM_015335.5 (MANE Select); coding-DNA position 2227, A replaced by C.
Protein change: p.Lys743Gln; replaces lysine 743 with glutamine.
Molecular consequence: missense variant.
Genome position (GRCh38, 1-based): chr12:116,007,422, T>G on the plus strand (A>C on the coding strand, the complement: MED13L is on the minus strand). VCF-style: chr12-116007422-T-G. GRCh37 (hg19) VCF-style: chr12-116445227-T-G.
Other names: short protein forms K743Q.
Identifiers: ClinVar variation 2663950 (VCV002663950.1), dbSNP rs2499905849, ClinGen allele CA386894108.